The following is an entry in ClinVar:

NM_000540.3(RYR1):c.12142G>A (p.Val4048Met)

Gene: RYR1 (ryanodine receptor 1; plus strand). Cytogenetic location: 19q13.2.
Variant type: single nucleotide variant.
Coding change: c.12142G>A on transcript NM_000540.3 (MANE Select); coding-DNA position 12142, G replaced by A.
Protein change: p.Val4048Met; replaces valine 4048 with methionine.
Molecular consequence: missense variant.
Genome position (GRCh38, 1-based): chr19:38,548,280, G>A. VCF-style: chr19-38548280-G-A. GRCh37 (hg19) VCF-style: chr19-39038920-G-A.
Other names: c.12127G>A, p.Val4043Met (NM_001042723.2); short protein forms V4043M, V4048M.
Identifiers: ClinVar variation 1800589 (VCV001800589.6), dbSNP rs368835421, ClinGen allele CA405665280.

ClinVar aggregate classification (germline): Uncertain significance. Review status: criteria provided, multiple submitters, no conflicts (2 of 4 stars). 3 submissions from 3 submitters: Uncertain significance (3). Last evaluated 2025-12-22.

Conditions:
Inborn genetic diseases. Identifiers: MedGen C0950123, MeSH D030342.
Malignant hyperthermia, susceptibility to, 1 (MHS1). Also called: Anesthesia related hyperthermia; Malignant hyperpyrexia; Fulminating hyperpyrexia; Pharmacogenic myopathy; Malignant hyperthermia suceptibility 1; RYR1-Related Malignant Hyperthermia Susceptibility. Identifiers: Orphanet 423, MedGen C2930980, MONDO:0007783, OMIM 145600.

Submissions (3):

Ambry Genetics
Classification: Uncertain significance for Inborn genetic diseases. Last evaluated: 2025-12-22. Review status: criteria provided, single submitter. Criteria: Ambry Variant Classification Scheme 2023. Collection method: clinical testing. Allele origin: germline.

Color Diagnostics, LLC DBA Color Health
Classification: Uncertain significance for Malignant hyperthermia, susceptibility to, 1. Last evaluated: 2025-08-26. Review status: criteria provided, single submitter. Criteria: ACMG Guidelines, 2015. Collection method: clinical testing. Allele origin: germline.
Comment: This missense variant replaces valine with methionine at codon 4048 of the RYR1 protein. Computational prediction suggests that this variant may have deleterious impact on protein structure and function. To our knowledge, functional studies have not been reported for this variant. This variant has not been reported in individuals affected with RYR1-related disorders in the literature. This variant has been identified in 2/251482 chromosomes in the general population by the Genome Aggregation Database (gnomAD). The available evidence is insufficient to determine the role of this variant in disease conclusively. Therefore, this variant is classified as a Variant of Uncertain Significance.

GeneDx
Classification: Uncertain significance. Last evaluated: 2022-05-16. Review status: criteria provided, single submitter. Criteria: GeneDx Variant Classification Process June 2021. Collection method: clinical testing. Allele origin: germline. Affected: yes.
Comment: Not observed at significant frequency in large population cohorts (gnomAD); In silico analysis supports that this missense variant has a deleterious effect on protein structure/function; Has not been previously published as pathogenic or benign to our knowledge